The following is an entry in ClinVar:

NM_001267550.2(TTN):c.39625+1G>C

Gene: TTN (titin; minus strand). Cytogenetic location: 2q31.2.
Variant type: single nucleotide variant.
Coding change: c.39625+1G>C on transcript NM_001267550.2 (MANE Select); the canonical splice donor site of the intron after coding-DNA position 39625, G replaced by C.
Molecular consequence: splice donor variant. On other transcripts: intron variant (3).
Genome position (GRCh38, 1-based): chr2:178,651,242, C>G on the plus strand (G>C on the coding strand, the complement: TTN is on the minus strand). VCF-style: chr2-178651242-C-G. GRCh37 (hg19) VCF-style: chr2-179515969-C-G.
Other names: c.13283-8925G>C (NM_003319.4); c.13859-8925G>C (NM_133437.4); c.13658-8925G>C (NM_133432.3); c.32323+1G>C (NM_133378.4); c.35104+1G>C (NM_001256850.1).
Identifiers: ClinVar variation 2945412 (VCV002945412.4), dbSNP rs970681023, ClinGen allele CA349453654.

ClinVar aggregate classification (germline): Conflicting classifications of pathogenicity. Review status: criteria provided, conflicting classifications (1 of 4 stars). 2 submissions from 2 submitters: Likely pathogenic (1); Uncertain significance (1). Last evaluated 2025-09-24.

Conditions:
Dilated cardiomyopathy 1G (CMD1G). Identifiers: Orphanet 154, MedGen C1858763, MONDO:0011400, OMIM 604145.
Autosomal recessive limb-girdle muscular dystrophy type 2J (LGMDR10). Also called: Limb-girdle muscular dystrophy, type 2J; MUSCULAR DYSTROPHY, LIMB-GIRDLE, AUTOSOMAL RECESSIVE 10. Identifiers: Orphanet 140922, MedGen C1837342, MONDO:0012127, OMIM 608807.

gnomAD v4.1: 1 of 1,612,464 alleles (0.000062%); no homozygotes.

Submissions (2):

3billion
Classification: Uncertain significance for Dilated cardiomyopathy 1G. Last evaluated: 2025-09-24. Review status: criteria provided, single submitter. Criteria: ACMG Guidelines, 2015. Collection method: clinical testing. Allele origin: germline. Affected: yes.
Comment: The variant is observed at an extremely low frequency in the gnomAD v4.1.0 dataset (total allele frequency: <0.001%). Predicted Consequence/Location: Canonical splice site: predicted to alter splicing and result in a loss or disruption of normal protein function. Multiple pathogenic loss-of-function variants are reported downstream of the variant. In silico tools predict the variant to alter splicing and produce an abnormal transcript [SpliceAI: 0.98 (spliceogenicity >=0.2, non-spliceogenicity <0.1)]. The variant has been reported to be associated with TTN-related disorder (ClinVar ID: VCV002945412). However, the evidence of pathogenicity is insufficient at this time. Therefore, this variant is classified as VUS according to the recommendation of ACMG/AMP guideline.

Labcorp Genetics (formerly Invitae), Labcorp
Classification: Likely pathogenic for Dilated cardiomyopathy 1G; Autosomal recessive limb-girdle muscular dystrophy type 2J. Last evaluated: 2024-10-18. Review status: criteria provided, single submitter. Criteria: Invitae Variant Classification Sherloc (09022015). Collection method: clinical testing. Allele origin: germline.
Comment: This sequence change affects a donor splice site in intron 208 of the TTN gene. It is expected to disrupt RNA splicing and likely results in a truncated or disrupted TTN protein. This variant is not present in population databases (gnomAD no frequency). This variant has not been reported in the literature in individuals affected with TTN-related conditions. Algorithms developed to predict the effect of sequence changes on RNA splicing suggest that this variant may disrupt the consensus splice site. This variant is located in the I band of TTN (PMID: 25589632). Truncating variants in this region have been reported in individuals affected with autosomal recessive centronuclear myopathy (PMID: 23975875, internal data). Truncating variants in this region have also been identified in individuals affected with autosomal dominant dilated cardiomyopathy and/or cardio-related conditions (PMID: 27869827, 32964742, internal data). In summary, the currently available evidence indicates that the variant is pathogenic, but additional data are needed to prove that conclusively. Therefore, this variant has been classified as Likely Pathogenic.

Literature cited by the submitters: PubMed 25589632 (cited by Labcorp Genetics (formerly Invitae), Labcorp); PubMed 23975875 (cited by Labcorp Genetics (formerly Invitae), Labcorp); PubMed 27869827 (cited by Labcorp Genetics (formerly Invitae), Labcorp); PubMed 32964742 (cited by Labcorp Genetics (formerly Invitae), Labcorp).